The following is an entry in ClinVar:

NM_024675.4(PALB2):c.2350A>C (p.Lys784Gln)

Gene: PALB2 (partner and localizer of BRCA2; minus strand). Cytogenetic location: 16p12.2.
Variant type: single nucleotide variant.
Coding change: c.2350A>C on transcript NM_024675.4 (MANE Select); coding-DNA position 2350, A replaced by C.
Protein change: p.Lys784Gln; replaces lysine 784 with glutamine.
Molecular consequence: missense variant.
Genome position (GRCh38, 1-based): chr16:23,629,804, T>G on the plus strand (A>C on the coding strand, the complement: PALB2 is on the minus strand). VCF-style: chr16-23629804-T-G. GRCh37 (hg19) VCF-style: chr16-23641125-T-G.
Other names: short protein forms K784Q.
Identifiers: ClinVar variation 1419559 (VCV001419559.7), dbSNP rs1833331932, ClinGen allele CA395124887.

ClinVar aggregate classification (germline): Uncertain significance (1 of 4 stars; one submission).

Conditions:
Familial cancer of breast. Also called: BREAST CANCER, FAMILIAL; Hereditary breast cancer; hereditary breast carcinoma. Identifiers: Orphanet 227535, MedGen C0346153, MONDO:0016419, OMIM 114480. Disease mechanism: loss of function.

Submission:

Labcorp Genetics (formerly Invitae), Labcorp
Classification: Uncertain significance for Familial cancer of breast. Last evaluated: 2022-08-23. Review status: criteria provided, single submitter. Criteria: Invitae Variant Classification Sherloc (09022015). Collection method: clinical testing. Allele origin: germline.
Comment: This variant is not present in population databases (gnomAD no frequency). This variant has not been reported in the literature in individuals affected with PALB2-related conditions. ClinVar contains an entry for this variant (Variation ID: 1419559). Algorithms developed to predict the effect of missense changes on protein structure and function are either unavailable or do not agree on the potential impact of this missense change (SIFT: "Tolerated"; PolyPhen-2: "Possibly Damaging"; Align-GVGD: "Class C0"). This sequence change replaces lysine, which is basic and polar, with glutamine, which is neutral and polar, at codon 784 of the PALB2 protein (p.Lys784Gln). In summary, the available evidence is currently insufficient to determine the role of this variant in disease. Therefore, it has been classified as a Variant of Uncertain Significance.